The following is an entry in ClinVar:

ClinVar aggregate classification (germline): Uncertain significance. Review status: criteria provided, multiple submitters, no conflicts (2 of 4 stars). 5 submissions from 5 submitters: Uncertain significance (5). Last evaluated 2025-10-07.

Conditions:
Inborn genetic diseases. Identifiers: MedGen C0950123, MeSH D030342.
Walker-Warburg congenital muscular dystrophy. Also called: Muscular dystrophy-dystroglycanopathy, type A; Walker-Warburg syndrome. Identifiers: Orphanet 899, MedGen C0265221, MONDO:0000171.
Muscular dystrophy-dystroglycanopathy (congenital with impaired intellectual development), type B, 1. Also called: Muscular dystrophy-dystroglycanopathy (congenital with intellectual disability), type B1; MUSCULAR DYSTROPHY, CONGENITAL, POMT1-RELATED. Identifiers: MedGen C5436962, MONDO:0013159, OMIM 613155.
Autosomal recessive limb-girdle muscular dystrophy type 2K. Also called: MUSCULAR DYSTROPHY-DYSTROGLYCANOPATHY (LIMB-GIRDLE), TYPE C, 1; MUSCULAR DYSTROPHY, LIMB-GIRDLE, TYPE 2K. Identifiers: Orphanet 86812, MedGen C1836373, MONDO:0012248, OMIM 609308.

Allele frequency attached by ClinVar (database versions not stated): ExAC 0.00001; gnomAD exomes 0.00001 and below 0.00001; gnomAD 0.00003; TOPMed 0.00001.
gnomAD v4.1: 22 of 1,614,074 alleles (0.0014%); highest among the groups gnomAD compares: Non-Finnish European, 0.0018%; no homozygotes.

Submissions (5):

Ambry Genetics
Classification: Uncertain significance for Inborn genetic diseases. Last evaluated: 2025-10-07. Review status: criteria provided, single submitter. Criteria: Ambry Variant Classification Scheme 2023. Collection method: clinical testing. Allele origin: germline.

Labcorp Genetics (formerly Invitae), Labcorp
Classification: Uncertain significance for Muscular dystrophy-dystroglycanopathy (congenital with impaired intellectual development), type B, 1; Walker-Warburg congenital muscular dystrophy; Autosomal recessive limb-girdle muscular dystrophy type 2K. Last evaluated: 2022-06-03. Review status: criteria provided, single submitter. Criteria: Invitae Variant Classification Sherloc (09022015). Collection method: clinical testing. Allele origin: germline.
Comment: This sequence change replaces valine, which is neutral and non-polar, with methionine, which is neutral and non-polar, at codon 212 of the POMT1 protein (p.Val212Met). This variant is present in population databases (rs746119386, gnomAD 0.002%). This variant has not been reported in the literature in individuals affected with POMT1-related conditions. ClinVar contains an entry for this variant (Variation ID: 282176). Algorithms developed to predict the effect of missense changes on protein structure and function output the following: SIFT: "Tolerated"; PolyPhen-2: "Benign"; Align-GVGD: "Class C0". The methionine amino acid residue is found in multiple mammalian species, which suggests that this missense change does not adversely affect protein function. In summary, the available evidence is currently insufficient to determine the role of this variant in disease. Therefore, it has been classified as a Variant of Uncertain Significance.

Revvity Omics, Revvity
Classification: Uncertain significance. Last evaluated: 2021-01-14. Review status: criteria provided, single submitter. Criteria: ACMG Guidelines, 2015. Collection method: clinical testing. Allele origin: germline.

Eurofins Ntd Llc (ga)
Classification: Uncertain significance. Last evaluated: 2018-04-25. Review status: criteria provided, single submitter. Criteria: EGL ClinVar v180209 classification definitions. Collection method: clinical testing. Allele origin: germline. Observed: 2 variant alleles, 2 heterozygotes.

Breakthrough Genomics
Classification: Uncertain significance. Review status: criteria provided, single submitter. Criteria: ACMG Guidelines, 2015. Collection method: not provided. Allele origin: germline. Inheritance: Autosomal recessive inheritance. Affected: yes.

NM_001077365.2(POMT1):c.634G>A (p.Val212Met)

Gene: POMT1 (protein O-mannosyltransferase 1; plus strand). Cytogenetic location: 9q34.13.
Variant type: single nucleotide variant.
Coding change: c.634G>A on transcript NM_001077365.2 (MANE Select); coding-DNA position 634, G replaced by A.
Protein change: p.Val212Met; replaces valine 212 with methionine.
Molecular consequence: missense variant. On other transcripts: non-coding transcript variant (10).
Genome position (GRCh38, 1-based): chr9:131,509,931, G>A. VCF-style: chr9-131509931-G-A. GRCh37 (hg19) VCF-style: chr9-134385318-G-A.
Other names: c.472G>A, p.Val158Met (NM_001077366.2, NM_001353194.2, NM_001353197.2 and 3 more transcripts); c.634G>A, p.Val212Met (NM_001136113.2, NM_001353193.2, NM_001374690.1 and 1 more transcripts); c.283G>A, p.Val95Met (NM_001136114.2, NM_001353195.2, NM_001353199.2 and 2 more transcripts); c.544G>A, p.Val182Met (NM_001353196.2); c.178G>A, p.Val60Met (NM_001353200.2, NM_001374695.1); short protein forms V212M, V158M, V182M, V60M, V95M.
Identifiers: ClinVar variation 282176 (VCV000282176.16), dbSNP rs746119386, ClinGen allele CA5293363.